The following is an entry in ClinVar:

NM_003560.4(PLA2G6):c.403T>G (p.Phe135Val)

Gene: PLA2G6 (phospholipase A2 group VI; minus strand). Cytogenetic location: 22q13.1.
Variant type: single nucleotide variant.
Coding change: c.403T>G on transcript NM_003560.4 (MANE Select); coding-DNA position 403, T replaced by G.
Protein change: p.Phe135Val; replaces phenylalanine 135 with valine.
Molecular consequence: missense variant. On other transcripts: 5 prime UTR variant (3).
Genome position (GRCh38, 1-based): chr22:38,145,460, A>C on the plus strand (T>G on the coding strand, the complement: PLA2G6 is on the minus strand). VCF-style: chr22-38145460-A-C. GRCh37 (hg19) VCF-style: chr22-38541467-A-C.
Other names: c.403T>G, p.Phe135Val (NM_001004426.3, NM_001199562.3, NM_001349864.2 and 2 more transcripts); c.-132T>G (NM_001349867.2, NM_001349869.2); c.-88T>G (NM_001349868.2); short protein forms F135V.
Identifiers: ClinVar variation 3375885 (VCV003375885.1).

ClinVar aggregate classification (germline): Uncertain significance (1 of 4 stars; one submission).

gnomAD v4.1: 2 of 1,609,756 alleles (0.00012%); highest among the groups gnomAD compares: Non-Finnish European, 0.00017%; no homozygotes.

Submission:

GeneDx
Classification: Uncertain significance. Last evaluated: 2024-05-02. Review status: criteria provided, single submitter. Criteria: GeneDx Variant Classification Process June 2021. Collection method: clinical testing. Allele origin: germline. Affected: yes.
Comment: Not observed at significant frequency in large population cohorts (gnomAD); In silico analysis supports that this missense variant has a deleterious effect on protein structure/function; Has not been previously published as pathogenic or benign to our knowledge